The following is an entry in ClinVar:

ClinVar aggregate classification (germline): Uncertain significance (1 of 4 stars; one submission).

Conditions:
Kabuki syndrome 2 (KABUK2). Also called: KDM6A-Related Kabuki Syndrome. Identifiers: Orphanet 2322, MedGen C3275495, MONDO:0010465, OMIM 300867.

Submission:

Baylor Genetics
Classification: Uncertain significance for Kabuki syndrome 2. Last evaluated: 2020-11-30. Review status: criteria provided, single submitter. Criteria: ACMG Guidelines, 2015. Collection method: clinical testing. Allele origin: unknown. Affected: yes.
Comment: This variant was determined to be of uncertain significance according to ACMG Guidelines, 2015 [PMID:25741868].

NM_001291415.2(KDM6A):c.4100A>G (p.Lys1367Arg)

Gene: KDM6A (lysine demethylase 6A; plus strand). Cytogenetic location: Xp11.3.
Variant type: single nucleotide variant.
Coding change: c.4100A>G on transcript NM_001291415.2 (MANE Select); coding-DNA position 4100, A replaced by G.
Protein change: p.Lys1367Arg; replaces lysine 1367 with arginine.
Molecular consequence: missense variant. On other transcripts: non-coding transcript variant (1).
Genome position (GRCh38, 1-based): chrX:45,107,475, A>G. VCF-style: chrX-45107475-A-G. GRCh37 (hg19) VCF-style: chrX-44966720-A-G.
Other names: c.3965A>G, p.Lys1322Arg (NM_001291416.2); c.3809A>G, p.Lys1270Arg (NM_001291417.2); c.3707A>G, p.Lys1236Arg (NM_001291418.2); c.3056A>G, p.Lys1019Arg (NM_001291421.2); c.3944A>G, p.Lys1315Arg (NM_021140.4); short protein forms K1019R, K1315R, K1270R, K1236R, K1322R, K1367R.
Identifiers: ClinVar variation 1028723 (VCV001028723.1), dbSNP rs2046573753, ClinGen allele CA412774972.
Genomic context (GRCh38, chrX:45,107,475, plus strand): 5'-GTCTTCTAAGAACTCTGAAGCAATGTCAGACATTGAGGGAAGCTCTCATTGCTGCAGGAA[A>G]AGAGATTATATGGCATGGGCGGACAAAAGAAGAACCAGCTCATTACTGTAGCATTTGTGA-3'
Protein context (NP_001278344.1, residues 1357-1377): TLREALIAAG[Lys1367Arg]EIIWHGRTKE